The following is an entry in ClinVar:

ClinVar aggregate classification (germline): Uncertain significance (1 of 4 stars; one submission).

Conditions:
Charcot-Marie-Tooth disease, type I (CMT1). Also called: Charcot-Marie-Tooth disease type 1; Charcot-Marie-Tooth, Type 1. Identifiers: Orphanet 65753, MedGen C0751036, MONDO:0019011.

Submission:

Labcorp Genetics (formerly Invitae), Labcorp
Classification: Uncertain significance for Charcot-Marie-Tooth disease, type I. Last evaluated: 2024-12-09. Review status: criteria provided, single submitter. Criteria: Invitae Variant Classification Sherloc (09022015). Collection method: clinical testing. Allele origin: germline.
Comment: This sequence change disrupts the translational stop signal of the MPZ mRNA. It is expected to extend the length of the MPZ protein by 64 additional amino acid residues. This variant is not present in population databases (gnomAD no frequency). This protein extension has been observed in individuals with clinical features of Charcot-Marie-Tooth disease (PMID: 25614874; internal data). This variant is also known as p.*249Q. ClinVar contains an entry for this variant (Variation ID: 971953). This variant results in an extension of the MPZ protein. Other variant(s) that result in a similarly extended protein product (p.*249Gluext*64) have been observed in individuals with MPZ-related disease (PMID: 33825325). This suggests that these extensions may be clinically significant. In summary, the available evidence is currently insufficient to determine the role of this variant in disease. Therefore, it has been classified as a Variant of Uncertain Significance.

Literature cited by the submitters: PubMed 25614874; PubMed 33825325.

NM_000530.8(MPZ):c.745T>C (p.Ter249Gln)

Gene: MPZ (myelin protein zero; minus strand). Cytogenetic location: 1q23.3.
Variant type: single nucleotide variant.
Coding change: c.745T>C on transcript NM_000530.8 (MANE Select); coding-DNA position 745, T replaced by C.
Protein change: p.Ter249Gln.
Molecular consequence: stop lost.
Genome position (GRCh38, 1-based): chr1:161,305,878, A>G on the plus strand (T>C on the coding strand, the complement: MPZ is on the minus strand). VCF-style: chr1-161305878-A-G. GRCh37 (hg19) VCF-style: chr1-161275668-A-G.
Other names: *249Q; c.745T>C (NM_001315491.2).
Identifiers: ClinVar variation 971953 (VCV000971953.10), dbSNP rs1670223250, ClinGen allele CA343343721.